The following is an entry in ClinVar:

ClinVar aggregate classification (germline): Uncertain significance. Review status: criteria provided, multiple submitters, no conflicts (2 of 4 stars). 4 submissions from 4 submitters: Uncertain significance (3). 1 of the submissions does not count toward it. Last evaluated 2025-07-15.

Conditions:
SLC17A8-related disorder. Also called: SLC17A8-related condition.
Inborn genetic diseases. Identifiers: MedGen C0950123, MeSH D030342.

Allele frequency attached by ClinVar (database versions not stated): ExAC 0.00002; TOPMed 0.00004; gnomAD 0.00006.
gnomAD v4.1: 82 of 1,614,016 alleles (0.0051%); highest among the groups gnomAD compares: Non-Finnish European, 0.0069%; 1 homozygote.

Submissions (4):

Ambry Genetics
Classification: Uncertain significance for Inborn genetic diseases. Last evaluated: 2025-07-15. Review status: criteria provided, single submitter. Criteria: Ambry Variant Classification Scheme 2023. Collection method: clinical testing. Allele origin: germline.

Labcorp Genetics (formerly Invitae), Labcorp
Classification: Uncertain significance. Last evaluated: 2024-10-16. Review status: criteria provided, single submitter. Criteria: Invitae Variant Classification Sherloc (09022015). Collection method: clinical testing. Allele origin: germline.
Comment: This sequence change replaces leucine, which is neutral and non-polar, with proline, which is neutral and non-polar, at codon 404 of the SLC17A8 protein (p.Leu404Pro). This variant is present in population databases (rs777504456, gnomAD 0.006%). This variant has not been reported in the literature in individuals affected with SLC17A8-related conditions. ClinVar contains an entry for this variant (Variation ID: 2180657). Invitae Evidence Modeling of protein sequence and biophysical properties (such as structural, functional, and spatial information, amino acid conservation, physicochemical variation, residue mobility, and thermodynamic stability) indicates that this missense variant is expected to disrupt SLC17A8 protein function with a positive predictive value of 80%. In summary, the available evidence is currently insufficient to determine the role of this variant in disease. Therefore, it has been classified as a Variant of Uncertain Significance.

GeneDx
Classification: Uncertain significance. Last evaluated: 2024-01-08. Review status: criteria provided, single submitter. Criteria: GeneDx Variant Classification Process June 2021. Collection method: clinical testing. Allele origin: germline. Affected: yes.
Comment: In silico analysis supports that this missense variant has a deleterious effect on protein structure/function; Has not been previously published as pathogenic or benign to our knowledge

PreventionGenetics, part of Exact Sciences
Classification: Uncertain significance for SLC17A8-related condition. Last evaluated: 2024-03-04. Review status: no assertion criteria provided. Collection method: clinical testing. Allele origin: germline. Not counted in ClinVar's aggregate classification.
Comment: The SLC17A8 c.1211T>C variant is predicted to result in the amino acid substitution p.Leu404Pro. To our knowledge, this variant has not been reported in the literature. This variant is reported in 0.0054% of alleles in individuals of European (Non-Finnish) descent in gnomAD. At this time, the clinical significance of this variant is uncertain due to the absence of conclusive functional and genetic evidence.

NM_139319.3(SLC17A8):c.1211T>C (p.Leu404Pro)

Gene: SLC17A8 (solute carrier family 17 member 8; plus strand). Cytogenetic location: 12q23.1.
Variant type: single nucleotide variant.
Coding change: c.1211T>C on transcript NM_139319.3 (MANE Select); coding-DNA position 1211, T replaced by C.
Protein change: p.Leu404Pro; replaces leucine 404 with proline.
Molecular consequence: missense variant.
Genome position (GRCh38, 1-based): chr12:100,412,794, T>C. VCF-style: chr12-100412794-T-C. GRCh37 (hg19) VCF-style: chr12-100806572-T-C.
Other names: c.1061T>C, p.Leu354Pro (NM_001145288.2); c.1211T>C (NM_139319.2); short protein forms L354P, L404P.
Identifiers: ClinVar variation 2180657 (VCV002180657.8), dbSNP rs777504456, ClinGen allele CA6738972.